The following is an entry in ClinVar:

ClinVar aggregate classification (germline): Pathogenic/Likely pathogenic. Review status: criteria provided, multiple submitters, no conflicts (2 of 4 stars). 2 submissions from 2 submitters: Pathogenic (1); Likely pathogenic (1). Last evaluated 2024-10-18.

Conditions:
SPTB-related disorder. Also called: SPTB-related condition; SPTB-Related Disorders.

Submissions (2):

PreventionGenetics, part of Exact Sciences
Classification: Pathogenic for SPTB-related condition. Last evaluated: 2024-10-18. Review status: criteria provided, single submitter. Criteria: ACMG Guidelines, 2015. Collection method: clinical testing. Allele origin: germline.
Comment: The SPTB c.1603C>T variant is predicted to result in premature protein termination (p.Gln535*). This variant was reported in an individual with spherocytosis (Nieto et al. 2022. PubMed ID: 35351432). This variant has not been reported in a large population database (gnomAD), indicating this variant is rare. Nonsense variants in SPTB are expected to be pathogenic. This variant is interpreted as pathogenic.

Revvity Omics, Revvity
Classification: Likely pathogenic. Last evaluated: 2023-05-16. Review status: criteria provided, single submitter. Criteria: ACMG Guidelines, 2015. Collection method: clinical testing. Allele origin: germline.

NM_001355436.2(SPTB):c.1603C>T (p.Gln535Ter)

Gene: SPTB (spectrin beta, erythrocytic; minus strand). Cytogenetic location: 14q23.3.
Variant type: single nucleotide variant.
Coding change: c.1603C>T on transcript NM_001355436.2 (MANE Select); coding-DNA position 1603, C replaced by T.
Protein change: p.Gln535Ter; replaces glutamine 535 with a stop codon.
Molecular consequence: nonsense.
Genome position (GRCh38, 1-based): chr14:64,795,378, G>A on the plus strand (C>T on the coding strand, the complement: SPTB is on the minus strand). VCF-style: chr14-64795378-G-A. GRCh37 (hg19) VCF-style: chr14-65262096-G-A.
Other names: c.1603C>T, p.Gln535Ter (NM_001024858.4, NM_001355437.2); c.1603C>T (NM_001024858.2); short protein forms Q535*.
Identifiers: ClinVar variation 2690745 (VCV002690745.3), dbSNP rs573438233, ClinGen allele CA390022878.